The following is an entry in ClinVar:

ClinVar aggregate classification (germline): Uncertain significance (1 of 4 stars; one submission).

Conditions:
Dilated cardiomyopathy 1DD (CMD1DD). Identifiers: Orphanet 154, MedGen C2750995, MONDO:0013168, OMIM 613172.

Submission:

Labcorp Genetics (formerly Invitae), Labcorp
Classification: Uncertain significance for Dilated cardiomyopathy 1DD. Last evaluated: 2018-06-24. Review status: criteria provided, single submitter. Criteria: Invitae Variant Classification Sherloc (09022015). Collection method: clinical testing. Allele origin: germline.
Comment: This variant has not been reported in the literature in individuals with RBM20-related disease. While this variant is not present in population databases, the frequency information is unreliable, as metrics indicate poor data quality at this position in the ExAC database. This sequence change replaces glutamine with arginine at codon 63 of the RBM20 protein (p.Gln63Arg). The glutamine residue is weakly conserved and there is a small physicochemical difference between glutamine and arginine. In summary, the available evidence is currently insufficient to determine the role of this variant in disease. Therefore, it has been classified as a Variant of Uncertain Significance. Algorithms developed to predict the effect of missense changes on protein structure and function are either unavailable or do not agree on the potential impact of this missense change (SIFT: "Not Available"; PolyPhen-2: "Benign"; Align-GVGD: "Class C0").

NM_001134363.3(RBM20):c.188A>G (p.Gln63Arg)

Gene: RBM20 (RNA binding motif protein 20; plus strand). Cytogenetic location: 10q25.2.
Variant type: single nucleotide variant.
Coding change: c.188A>G on transcript NM_001134363.3 (MANE Select); coding-DNA position 188, A replaced by G.
Protein change: p.Gln63Arg; replaces glutamine 63 with arginine.
Molecular consequence: missense variant.
Genome position (GRCh38, 1-based): chr10:110,644,642, A>G. VCF-style: chr10-110644642-A-G. GRCh37 (hg19) VCF-style: chr10-112404400-A-G.
Other names: short protein forms Q63R.
Identifiers: ClinVar variation 566729 (VCV000566729.8), dbSNP rs1564804235, ClinGen allele CA378527981.